The following is an entry in ClinVar:

ClinVar aggregate classification (germline): Uncertain significance (1 of 4 stars; one submission).

Conditions:
Hereditary cancer-predisposing syndrome. Also called: Neoplastic Syndromes, Hereditary; Tumor predisposition; Hereditary Cancer Syndrome; Hereditary neoplastic syndrome. Identifiers: Orphanet 140162, MedGen C0027672, MeSH D009386, MONDO:0015356.

Submission:

Ambry Genetics
Classification: Uncertain significance for Hereditary cancer-predisposing syndrome. Last evaluated: 2026-02-06. Review status: criteria provided, single submitter. Criteria: Ambry Variant Classification Scheme 2023. Collection method: clinical testing. Allele origin: germline.
Comment: The c.998_1001delAACA variant, located in coding exon 6 of the PDGFRA gene, results from a deletion of 4 nucleotides at nucleotide positions 998 to 1001, causing a translational frameshift with a predicted alternate stop codon (p.K333Ifs*4). This alteration is expected to result in loss of function by premature protein truncation or nonsense-mediated mRNA decay. However, loss of function has not been established as a mechanism of disease. Based on the available evidence, the clinical significance of this variant remains unclear.

NM_006206.6(PDGFRA):c.998_1001del (p.Lys333fs)

Gene: PDGFRA (platelet derived growth factor receptor alpha; plus strand). Cytogenetic location: 4q12.
Variant type: Deletion.
Coding change: c.998_1001del on transcript NM_006206.6 (MANE Select); coding-DNA positions 998 to 1001, 4 bases deleted (AACA; older notation c.998_1001delAACA).
Protein change: p.Lys333fs; shifts the reading frame from lysine 333.
Molecular consequence: frameshift variant.
Genome position (GRCh38, 1-based): chr4:54,267,618-54,267,621, AACA deleted; deleting any 4 consecutive bases within chr4:54,267,616-54,267,621 gives the same sequence; the c. name uses the placement nearest the transcript's 3' end. VCF-style (leftmost placement, unchanged base first): chr4-54267615-TCAAA-T. GRCh37 (hg19) VCF-style: chr4-55133782-TCAAA-T.
Other names: c.1073_1076del, p.Lys358fs (NM_001347828.2); c.998_1001del, p.Lys333fs (NM_001347829.2, NM_001347827.2); c.1037_1040del, p.Lys346fs (NM_001347830.2); short protein forms K333fs, K346fs, K358fs.
Identifiers: ClinVar variation 4825442 (VCV004825442.1).